The following is an entry in ClinVar:

ClinVar aggregate classification (germline): Uncertain significance (1 of 4 stars; one submission).

Submission:

GeneDx
Classification: Uncertain significance. Last evaluated: 2024-01-04. Review status: criteria provided, single submitter. Criteria: GeneDx Variant Classification Process June 2021. Collection method: clinical testing. Allele origin: germline. Affected: yes.
Comment: Not observed at significant frequency in large population cohorts (gnomAD); In silico analysis supports that this missense variant does not alter protein structure/function; Has not been previously published as pathogenic or benign to our knowledge

NM_001353345.2(SETD1B):c.1127C>T (p.Ala376Val)

Gene: SETD1B (SET domain containing 1B, histone lysine methyltransferase; plus strand). Cytogenetic location: 12q24.31.
Variant type: single nucleotide variant.
Coding change: c.1127C>T on transcript NM_001353345.2 (MANE Select); coding-DNA position 1127, C replaced by T.
Protein change: p.Ala376Val; replaces alanine 376 with valine.
Molecular consequence: missense variant.
Genome position (GRCh38, 1-based): chr12:121,810,072, C>T. VCF-style: chr12-121810072-C-T. GRCh37 (hg19) VCF-style: chr12-122247978-C-T.
Other names: short protein forms A376V.
Identifiers: ClinVar variation 3367571 (VCV003367571.1).
Genomic context (GRCh38, chr12:121,810,072, plus strand): 5'-CAGTCGGCGGCACTGGGGGCAGCAGCGGTCCCCCGTTCAAGGCTCAACCACAGGATTCAG[C>T]CACATTTGCCCACACTCCACCACCCGCCCAAGCAACCCCTGCTCCTGGATTCAAGTCTGC-3'
Protein context (NP_001340274.1, residues 366-386): PPFKAQPQDS[Ala376Val]TFAHTPPPAQ